The following is an entry in ClinVar:

NM_001025603.2(RFX5):c.312dup (p.Asp105Ter)

Gene: RFX5 (regulatory factor X5; minus strand). Cytogenetic location: 1q21.3.
Variant type: Duplication.
Coding change: c.312dup on transcript NM_001025603.2 (MANE Select); coding-DNA position 312, one base duplicated (T; older notation c.312dupT).
Protein change: p.Asp105Ter; replaces aspartic acid 105 with a stop codon.
Molecular consequence: nonsense. On other transcripts: intron variant (2).
Genome position (GRCh38, 1-based): chr1:151,344,769, A duplicated on the plus strand (T on the coding strand, the reverse complement: RFX5 is on the minus strand). VCF-style (leftmost placement, unchanged base first): chr1-151344768-C-CA. GRCh37 (hg19) VCF-style: chr1-151317244-C-CA.
Other names: c.312dupT (NM_000449.3); c.312dup, p.Asp105Ter (NM_000449.4, NM_001379412.1, NM_001379413.1 and 5 more transcripts); c.234-233dup (NM_001379419.1, NM_001379420.1); short protein forms D105*.
Identifiers: ClinVar variation 648114 (VCV000648114.6), dbSNP rs1571262081, ClinGen allele CA915941408.

ClinVar aggregate classification (germline): Pathogenic (1 of 4 stars; one submission).

Conditions:
MHC class II deficiency. Also called: Bare lymphocyte syndrome 2; BLS, TYPE II. Identifiers: Orphanet 572, MedGen C5447452, MONDO:0008855.

Allele frequency attached by ClinVar (database versions not stated): gnomAD exomes below 0.00001.

Submission:

Labcorp Genetics (formerly Invitae), Labcorp
Classification: Pathogenic for MHC class II deficiency. Last evaluated: 2020-03-06. Review status: criteria provided, single submitter. Criteria: Invitae Variant Classification Sherloc (09022015). Collection method: clinical testing. Allele origin: germline.
Comment: For these reasons, this variant has been classified as Pathogenic. Loss-of-function variants in RFX5 are known to be pathogenic (PMID: 7744245, 9401005, 10079298). This variant has not been reported in the literature in individuals with RFX5-related disease. This variant is not present in population databases (ExAC no frequency). This sequence change creates a premature translational stop signal (p.Asp105*) in the RFX5 gene. It is expected to result in an absent or disrupted protein product.

Literature cited by the submitters: PubMed 7744245; PubMed 9401005; PubMed 10079298.